The following is an entry in ClinVar:

ClinVar aggregate classification (germline): Likely pathogenic. Review status: reviewed by expert panel (3 of 4 stars). 19 submissions from 19 submitters: Likely pathogenic (1). 18 of the submissions do not count toward it. Last evaluated 2024-01-25.

Conditions:
Hereditary cancer-predisposing syndrome. Also called: Neoplastic Syndromes, Hereditary; Hereditary Cancer Syndrome; Tumor predisposition; Hereditary neoplastic syndrome. Identifiers: Orphanet 140162, MedGen C0027672, MeSH D009386, MONDO:0015356.
Ataxia-telangiectasia syndrome (AT). Also called: LOUIS-BAR SYNDROME; Ataxia-telangiectasia, complementation group D; AT, COMPLEMENTATION GROUP C; Ataxia-telangiectasia, complementation group E; Ataxia telangiectasia (A-T); Cerebello-oculocutaneous telangiectasia. Identifiers: Orphanet 100, MedGen C0004135, MONDO:0008840, OMIM 208900.
Familial cancer of breast. Also called: hereditary breast carcinoma; Hereditary breast cancer; BREAST CANCER, FAMILIAL. Identifiers: Orphanet 227535, MedGen C0346153, MONDO:0016419, OMIM 114480. Disease mechanism: loss of function.
ATM-related cancer predisposition. Also called: ATM-related cancer susceptibility. Identifiers: MedGen CN377759, MONDO:0700270.
Gastric cancer. Also called: Stomach cancer; Malignant tumor of stomach. Identifiers: MedGen C0024623, MeSH D013274, MONDO:0001056, OMIM 613659, HP:0012126.
Breast carcinoma. Also called: Carcinoma of breast. Identifiers: MedGen C0678222, MONDO:0004989, HP:0003002.

Allele frequency attached by ClinVar (database versions not stated): gnomAD exomes below 0.00001 and 0.00001; gnomAD 0.00001; ExAC 0.00002.
gnomAD v4.1: 8 of 1,610,558 alleles (0.0005%); highest among the groups gnomAD compares: African/African-American, 0.004%; no homozygotes.

Submissions 1 to 6 of 19:

ClinGen Hereditary Breast, Ovarian and Pancreatic Cancer Variant Curation Expert Panel, ClinGen
Classification: Likely pathogenic for ATM-related cancer predisposition. Last evaluated: 2024-01-25. Review status: reviewed by expert panel. Criteria: ClinGen HBOP ACMG Specifications ATM V1.2.0. Collection method: curation. Allele origin: germline. Inheritance: Autosomal dominant inheritance.
Comment: The c.875C>T variant in ATM is a missense variant predicted to cause substitution of proline by leucine at amino acid 292 (p.Pro292Leu). This variant has been detected in at least 3 individuals with Ataxia-Telangiectasia (PMID: 18634022, 30549301, 26896183). The highest population minor allele frequency in gnomAD v2.1.1 is 0.005% (1/19890 alleles) in the East Asian population (PM2_Supporting, BS1, and BA1 are not met). Experimental studies shows that this variant has impact on ATM kinase activity, protein levels and radiosensitivity was also found to be sensitive (RS<21%) when compared with wild type (PMID:18634022,19431188). The REVEL computational prediction analysis tool predicted a score of 0.752, which is above the threshold necessary to apply PP3. In summary, this variant meets criteria to be classified as likely pathogenic for autosomal dominant hereditary breast cancer and autosomal recessive Ataxia-Telangiectasia based on the ACMG/AMP criteria applied, as specified by the HBOP VCEP. (PM3_strong, PS3_Moderate, PP3)

Labcorp Genetics (formerly Invitae), Labcorp
Classification: Pathogenic for Ataxia-telangiectasia syndrome. Last evaluated: 2025-11-27. Review status: criteria provided, single submitter. Criteria: Invitae Variant Classification Sherloc (09022015). Collection method: clinical testing. Allele origin: germline. Not counted in ClinVar's aggregate classification.
Comment: This sequence change replaces proline, which is neutral and non-polar, with leucine, which is neutral and non-polar, at codon 292 of the ATM protein (p.Pro292Leu). This variant is present in population databases (rs747727055, gnomAD 0.005%). This missense change has been observed in individuals with severe combined immunodeficiency and A-T and a milder phenotype of ataxia telangiectasia (A-T) (PMID: 10873394, 18634022, 19431188, 23264026, 30549301). This variant is also known as 1260C>T. ClinVar contains an entry for this variant (Variation ID: 229794). Invitae Evidence Modeling of protein sequence and biophysical properties (such as structural, functional, and spatial information, amino acid conservation, physicochemical variation, residue mobility, and thermodynamic stability) has been performed for this missense variant. However, the output from this modeling did not meet the statistical confidence thresholds required to predict the impact of this variant on ATM protein function. Experimental studies have shown that this missense change affects ATM function (PMID: 18634022, 19431188). For these reasons, this variant has been classified as Pathogenic.

Institute of Immunology and Genetics Kaiserslautern
Classification: Likely pathogenic for Familial cancer of breast; Ataxia-telangiectasia syndrome. Last evaluated: 2025-11-13. Review status: criteria provided, single submitter. Criteria: ACMG Guidelines, 2015. Collection method: clinical testing. Allele origin: germline. Affected: yes. Not counted in ClinVar's aggregate classification.
Comment: ACMG Criteria: PS3, PM2_P, PM3, PP3, PP5; Variant was found in heterozygous state.

Victorian Clinical Genetics Services, Murdoch Childrens Research Institute
Classification: Likely pathogenic for Familial cancer of breast. Last evaluated: 2025-06-16. Review status: criteria provided, single submitter. Criteria: ACMG Guidelines, 2015. Collection method: clinical testing. Allele origin: germline. Affected: no. Not counted in ClinVar's aggregate classification.
Comment: This variant is classified as Likely pathogenic. Evidence in support of pathogenic classification: Variant is present in gnomAD <0.01 (v4: 8 heterozygote(s), 0 homozygote(s)); This variant has strong previous evidence of pathogenicity in unrelated individuals. This variant has been classified as likely pathogenic by the ClinGen Hereditary Breast, Ovarian and Pancreatic Cancer Variant Curation Expert Panel in ClinVar; This variant has moderate functional evidence supporting abnormal protein function. This variant was found to reduce ATM expression and activity, and increase cell radiosensitivity (PMIDs: 18634022, 19431188); Missense variant predicted to be damaging by in silico tool(s) or highly conserved with a major amino acid change. Additional information: Variant is predicted to result in a missense amino acid change from proline to leucine; This variant is heterozygous; This gene is associated with both recessive and dominant disease. Biallelic variants in this gene result in ataxia-telangiectasia; however, heterozygous carriers of specific pathogenic variants have an increased risk of breast cancer (PMID: 27595995). Germline variants in this gene may also contribute to increased risk of other cancers including gastric, colorectal, and pancreatic cancers, however the risk is not well-established at this stage (PMIDs: 22585167, 27978560, 26506520); Variant is not located in an established domain, motif, hotspot or informative constraint region; Loss of function is a known mechanism of disease in this gene and is associated with ataxia-telangiectasia (MIM#208900) and susceptibility to breast cancer (MIM#114480); Variants in this gene are known to have variable expressivity with regard to ataxia-telangiectasia. Variable age of onset and rate of disease progression have been reported for affected individuals within the same family (PMIDs: 20301790, 27884168).

Color Diagnostics, LLC DBA Color Health
Classification: Pathogenic for Hereditary cancer-predisposing syndrome. Last evaluated: 2025-01-07. Review status: criteria provided, single submitter. Criteria: ACMG Guidelines, 2015. Collection method: clinical testing. Allele origin: germline. Not counted in ClinVar's aggregate classification.
Comment: This missense variant replaces proline with leucine at codon 292 of the ATM protein. Computational prediction suggests that this variant may have deleterious impact on protein structure and function. Functional studies have shown instability and low-level expression of the mutant protein, and absent or reduced kinase activity, as well as high radiosensitivity after ionizing radiation exposure of cells carrying this variant (PMID: 18634022, 19431188). This variant has been reported in individuals affected with classic or mild form of ataxia-telangiectasia (PMID: 10873394, 18634022, 23264026, 30549301) and in individuals affected with breast cancer and/or ovarian cancer (PMID: 32957588, 38355628). This variant has been identified in 3/279556 chromosomes in the general population by the Genome Aggregation Database (gnomAD). Based on the available evidence, this variant is classified as Pathogenic.

GeneDx
Classification: Pathogenic. Last evaluated: 2024-06-17. Review status: criteria provided, single submitter. Criteria: GeneDx Variant Classification Process June 2021. Collection method: clinical testing. Allele origin: germline. Affected: yes. Not counted in ClinVar's aggregate classification.
Comment: Published functional studies demonstrate a damaging effect: reduced ATM protein levels, reduced or absent kinase activity, and higher levels of radiosensitivity after exposure to ionizing radiation (PMID: 9463314, 10873394, 19431188, 18634022, 21792198); Observed in individuals with ATM-related cancers in published literature (PMID: 32694154, 31948886, 32957588); Not observed at significant frequency in large population cohorts (gnomAD); In silico analysis supports that this missense variant has a deleterious effect on protein structure/function; This variant is associated with the following publications: (PMID: 25040471, 25482724, 36113475, 22529920, 12673797, 15279807, 12072877, 12552559, 15928302, 19431188, 21792198, 28359806, 9463314, 29922827, 30549301, 31948886, 10873394, 34404389, 32957588, 32694154, 26896183, 18634022, 23264026)

NM_000051.4(ATM):c.875C>T (p.Pro292Leu)

Gene: ATM (ATM serine/threonine kinase; plus strand). Cytogenetic location: 11q22.3.
Variant type: single nucleotide variant.
Coding change: c.875C>T on transcript NM_000051.4 (MANE Select); coding-DNA position 875, C replaced by T.
Protein change: p.Pro292Leu; replaces proline 292 with leucine.
Molecular consequence: missense variant.
Genome position (GRCh38, 1-based): chr11:108,245,000, C>T. VCF-style: chr11-108245000-C-T. GRCh37 (hg19) VCF-style: chr11-108115727-C-T.
Other names: NM_000051.4(ATM):c.875C>T; c.875C>T, p.Pro292Leu (NM_001351834.2); short protein forms P292L.
Identifiers: ClinVar variation 229794 (VCV000229794.62), dbSNP rs747727055, ClinGen allele CA6264689.
Genomic context (GRCh38, chr11:108,245,000, plus strand): 5'-ATGATTCTTTAAAAGAAGTCATTATTGAATTATTTCAACTGCAAATTTATATCCATCATC[C>T]GAAAGGAGCCAAAACCCAAGAAAAAGGTATAAAGGAAATGTTTACTGTTTTGAATTTGCT-3'
Protein context (NP_000042.3, residues 282-302): LFQLQIYIHH[Pro292Leu]KGAKTQEKGA